The following is an entry in ClinVar:

NM_002202.3(ISL1):c.347C>G (p.Pro116Arg)

Gene: ISL1 (ISL LIM homeobox 1; plus strand). Cytogenetic location: 5q11.1.
Variant type: single nucleotide variant.
Coding change: c.347C>G on transcript NM_002202.3 (MANE Select); coding-DNA position 347, C replaced by G.
Protein change: p.Pro116Arg; replaces proline 116 with arginine.
Molecular consequence: missense variant.
Genome position (GRCh38, 1-based): chr5:51,387,618, C>G. VCF-style: chr5-51387618-C-G. GRCh37 (hg19) VCF-style: chr5-50683452-C-G.
Other names: short protein forms P116R.
Identifiers: ClinVar variation 4984961 (VCV004984961.1).

ClinVar aggregate classification (germline): Uncertain significance (1 of 4 stars; one submission).

Conditions:
ISL1-related disorder. Also called: ISL1-related condition.

gnomAD v4.1: 4 of 1,614,124 alleles (0.00025%); highest among the groups gnomAD compares: Admixed American, 0.005%; no homozygotes.

Submission:

PreventionGenetics, part of Exact Sciences
Classification: Uncertain significance for ISL1-related condition. Last evaluated: 2026-05-31. Review status: criteria provided, single submitter. Criteria: ACMG Guidelines, 2015. Collection method: clinical testing. Allele origin: germline.
Comment: The ISL1 c.347C>G variant is predicted to result in the amino acid substitution p.Pro116Arg. To our knowledge, this variant has not been reported in the literature. This variant is reported in 0.0029% of alleles in individuals of Latino descent in gnomAD. At this time, the clinical significance of this variant is uncertain due to the absence of conclusive functional and genetic evidence.